The following is an entry in ClinVar:

NM_001029883.3(PCARE):c.982C>G (p.Leu328Val)

Gene: PCARE (photoreceptor cilium actin regulator; minus strand). Cytogenetic location: 2p23.2.
Variant type: single nucleotide variant.
Coding change: c.982C>G on transcript NM_001029883.3 (MANE Select); coding-DNA position 982, C replaced by G.
Protein change: p.Leu328Val; replaces leucine 328 with valine.
Molecular consequence: missense variant.
Genome position (GRCh38, 1-based): chr2:29,073,280, G>C on the plus strand (C>G on the coding strand, the complement: PCARE is on the minus strand). VCF-style: chr2-29073280-G-C. GRCh37 (hg19) VCF-style: chr2-29296146-G-C.
Other names: short protein forms L328V.
Identifiers: ClinVar variation 1418070 (VCV001418070.5), dbSNP rs753764485, ClinGen allele CA1592529.

ClinVar aggregate classification (germline): Uncertain significance. Review status: criteria provided, multiple submitters, no conflicts (2 of 4 stars). 2 submissions from 2 submitters: Uncertain significance (2). Last evaluated 2023-03-30.

Allele frequency attached by ClinVar (database versions not stated): TOPMed below 0.00001; ExAC 0.00001; gnomAD exomes 0.00001.

Submissions (2):

Blueprint Genetics
Classification: Uncertain significance. Last evaluated: 2023-03-30. Review status: criteria provided, single submitter. Criteria: ACMG Guidelines, 2015. Collection method: clinical testing. Allele origin: germline.

Labcorp Genetics (formerly Invitae), Labcorp
Classification: Uncertain significance. Last evaluated: 2022-08-19. Review status: criteria provided, single submitter. Criteria: Invitae Variant Classification Sherloc (09022015). Collection method: clinical testing. Allele origin: germline.
Comment: In summary, the available evidence is currently insufficient to determine the role of this variant in disease. Therefore, it has been classified as a Variant of Uncertain Significance. Algorithms developed to predict the effect of sequence changes on RNA splicing suggest that this variant may create or strengthen a splice site. Algorithms developed to predict the effect of missense changes on protein structure and function (SIFT, PolyPhen-2, Align-GVGD) all suggest that this variant is likely to be disruptive. ClinVar contains an entry for this variant (Variation ID: 1418070). This variant has not been reported in the literature in individuals affected with PCARE-related conditions. This variant is present in population databases (rs753764485, gnomAD 0.003%). This sequence change replaces leucine, which is neutral and non-polar, with valine, which is neutral and non-polar, at codon 328 of the PCARE protein (p.Leu328Val).